The following is an entry in ClinVar:

ClinVar aggregate classification (germline): Uncertain significance. Review status: criteria provided, multiple submitters, no conflicts (2 of 4 stars). 2 submissions from 2 submitters: Uncertain significance (2). Last evaluated 2024-12-20.

Conditions:
RP1-related disorder. Also called: RP1-related condition.

Allele frequency attached by ClinVar (database versions not stated): gnomAD exomes below 0.00001; TOPMed 0.00002; gnomAD 0.00003.
gnomAD v4.1: 5 of 1,613,874 alleles (0.00031%); highest among the groups gnomAD compares: African/African-American, 0.0067%; no homozygotes.

Submissions (2):

PreventionGenetics, part of Exact Sciences
Classification: Uncertain significance for RP1-related condition. Last evaluated: 2024-12-20. Review status: criteria provided, single submitter. Criteria: ACMG Guidelines, 2015. Collection method: clinical testing. Allele origin: germline.
Comment: The RP1 c.5717C>G variant is predicted to result in the amino acid substitution p.Ser1906Cys. To our knowledge, this variant has not been reported in the literature. This variant is reported in 0.0062% of alleles in individuals of African descent in gnomAD. At this time, the clinical significance of this variant is uncertain due to the absence of conclusive functional and genetic evidence.

Labcorp Genetics (formerly Invitae), Labcorp
Classification: Uncertain significance. Last evaluated: 2023-08-17. Review status: criteria provided, single submitter. Criteria: Invitae Variant Classification Sherloc (09022015). Collection method: clinical testing. Allele origin: germline.
Comment: This sequence change replaces serine, which is neutral and polar, with cysteine, which is neutral and slightly polar, at codon 1906 of the RP1 protein (p.Ser1906Cys). This variant is present in population databases (no rsID available, gnomAD 0.007%). This variant has not been reported in the literature in individuals affected with RP1-related conditions. ClinVar contains an entry for this variant (Variation ID: 1974973). An algorithm developed to predict the effect of missense changes on protein structure and function (PolyPhen-2) suggests that this variant is likely to be disruptive. In summary, the available evidence is currently insufficient to determine the role of this variant in disease. Therefore, it has been classified as a Variant of Uncertain Significance.

NM_006269.2(RP1):c.5717C>G (p.Ser1906Cys)

Genes: RP1 (RP1 axonemal microtubule associated; plus strand), LOC126860392 (CDK7 strongly-dependent group 2 enhancer GRCh37_chr8:55541319-55542518; plus strand). Cytogenetic location: 8q12.1.
Variant type: single nucleotide variant.
Coding change: c.5717C>G on transcript NM_006269.2 (MANE Select); coding-DNA position 5717, C replaced by G.
Protein change: p.Ser1906Cys; replaces serine 1906 with cysteine.
Molecular consequence: missense variant. On other transcripts: intron variant (1).
Genome position (GRCh38, 1-based): chr8:54,629,599, C>G. VCF-style: chr8-54629599-C-G. GRCh37 (hg19) VCF-style: chr8-55542159-C-G.
Other names: c.5717C>G (NM_006269.1); c.787+7311C>G (NM_001375654.1); short protein forms S1906C.
Identifiers: ClinVar variation 1974973 (VCV001974973.6), dbSNP rs1256342099, ClinGen allele CA370987687.